The following is an entry in ClinVar:

ClinVar aggregate classification (germline): Uncertain significance (1 of 4 stars; one submission).

gnomAD v4.1: 1 of 1,589,260 alleles (0.000063%); highest among the groups gnomAD compares: Non-Finnish European, 0.000086%; no homozygotes.

Submission:

GeneDx
Classification: Uncertain significance. Last evaluated: 2026-02-25. Review status: criteria provided, single submitter. Criteria: GeneDx Variant Classification Process June 2021. Collection method: clinical testing. Allele origin: germline.
Comment: Not observed at significant frequency in large population cohorts (gnomAD); In silico analysis suggests that this missense variant does not alter protein structure/function; Has not been previously published as pathogenic or benign to our knowledge

NM_001394998.1(TANC2):c.899A>T (p.Tyr300Phe)

Gene: TANC2 (tetratricopeptide repeat, ankyrin repeat and coiled-coil containing 2; plus strand). Cytogenetic location: 17q23.3.
Variant type: single nucleotide variant.
Coding change: c.899A>T on transcript NM_001394998.1 (MANE Select); coding-DNA position 899, A replaced by T.
Protein change: p.Tyr300Phe; replaces tyrosine 300 with phenylalanine.
Molecular consequence: missense variant.
Genome position (GRCh38, 1-based): chr17:63,237,943, A>T. VCF-style: chr17-63237943-A-T. GRCh37 (hg19) VCF-style: chr17-61315304-A-T.
Other names: c.677A>T, p.Tyr226Phe (NM_001411076.1, NM_025185.4); short protein forms Y226F, Y300F.
Identifiers: ClinVar variation 5009792 (VCV005009792.1).